The following continues an entry in ClinVar:

NM_000179.3(MSH6):c.3516_3517del (p.Arg1172fs)

Gene: MSH6. ClinVar aggregate classification (germline): Pathogenic. Pathogenic (18).

Submissions 11 to 18 of 18:

Myriad Genetics, Inc.
Classification: Pathogenic for Lynch syndrome 5. Last evaluated: 2023-08-24. Review status: criteria provided, single submitter. Criteria: Myriad Autosomal Dominant, Autosomal Recessive and X-Linked Classification Criteria (2023). Collection method: clinical testing. Allele origin: unknown.
Comment: This variant is considered pathogenic. This variant creates a frameshift predicted to result in premature protein truncation.

Mayo Clinic Laboratories, Mayo Clinic
Classification: Pathogenic. Last evaluated: 2023-01-27. Review status: criteria provided, single submitter. Criteria: ACMG Guidelines, 2015. Collection method: clinical testing. Allele origin: germline. Observed: 2 variant alleles.
Comment: PP4, PM2, PS4_moderate, PVS1

GeneDx
Classification: Pathogenic. Last evaluated: 2023-01-18. Review status: criteria provided, single submitter. Criteria: GeneDx Variant Classification Process June 2021. Collection method: clinical testing. Allele origin: germline. Affected: yes.
Comment: Frameshift variant predicted to result in protein truncation or nonsense mediated decay in a gene for which loss-of-function is a known mechanism of disease; Not observed at significant frequency in large population cohorts (gnomAD); Truncating variants in this gene are considered pathogenic by a well-established clinical consortium and/or database; Observed in patients with Lynch-related cancers and tumor studies consistent with pathogenic variants in this gene (Baglietto et al., 2010; Graham et al., 2015; Yurgelun et al., 2015; Pearlman et al., 2019); This variant is associated with the following publications: (PMID: 31491536, 30877237, 20028993, 25980754, 26099011, 31159747, 30787465, 28888541)

Quest Diagnostics Nichols Institute San Juan Capistrano
Classification: Pathogenic. Last evaluated: 2022-11-28. Review status: criteria provided, single submitter. Criteria: Quest Diagnostics criteria. Collection method: clinical testing. Allele origin: unknown.
Comment: This frameshift variant alters the translational reading frame of the MSH6 mRNA and causes the premature termination of MSH6 protein synthesis. It has not been reported in large, multi-ethnic general populations. In the published literature, the variant has been reported in individuals with Lynch syndrome (PMID: 25980754 (2015)), colorectal cancer (PMID: 30877237 (2019)), ovarian cancer (PMID: 28888541 (2017)), and breast and/or ovarian cancer (PMID: 31159747 (2019)). Based on the available information, this variant is classified as pathogenic.

Clinical Genetics Laboratory, Skane University Hospital Lund
Classification: Pathogenic. Last evaluated: 2022-05-27. Review status: criteria provided, single submitter. Criteria: ACMG Guidelines, 2015. Collection method: clinical testing. Allele origin: germline. Affected: yes.

Greenwood Genetic Center Diagnostic Laboratories, Greenwood Genetic Center
Classification: Pathogenic for Lynch syndrome 5. Last evaluated: 2021-12-31. Review status: criteria provided, single submitter. Criteria: ACMG Guidelines, 2015. Collection method: clinical testing. Allele origin: germline.
Comment: PVS1, PM2, PS4_Moderate

GeneKor MSA
Classification: Pathogenic for Hereditary cancer-predisposing syndrome. Last evaluated: 2020-01-01. Review status: criteria provided, single submitter. Criteria: ACMG Guidelines, 2015. Collection method: clinical testing. Allele origin: germline. Affected: yes.
Comment: This mutation is a deletion of two nucleotides from exon 6 of the MSH6 mRNA (c.3516_3517delAG), causing a frameshift at codon 1172. This creates a premature translational stop signal after 4 amino acid residues (p.Arg1172Serfs*4) and is expected to result in an absent or disrupted protein product. Truncating variants in MSH6 are known to be pathogenic. This mutation has been reported in association with Lynch syndrome (PMID: 20028993).The mutation database ClinVar contains entries for this variant (Variation ID: 92578).

Eurofins Ntd Llc (ga)
Classification: Pathogenic. Last evaluated: 2013-01-21. Review status: criteria provided, single submitter. Criteria: EGL Classification Definitions 2015. Collection method: clinical testing. Allele origin: germline. Observed: 1 variant allele, 1 heterozygote.

Literature cited by the submitters: PubMed 18269114 (cited by Labcorp Genetics (formerly Invitae), Labcorp); PubMed 24362816 (cited by Labcorp Genetics (formerly Invitae), Labcorp); PubMed 20028993 (cited by 7 submitters); PubMed 25980754 (cited by 5 submitters); PubMed 26099011 (cited by 4 submitters); PubMed 28888541 (cited by 4 submitters); PubMed 30877237 (cited by 5 submitters); PubMed 31491536 (cited by 4 submitters); PubMed 31159747 (cited by Department of Pathology and Laboratory Medicine, Sinai Health System and Quest Diagnostics Nichols Institute San Juan Capistrano).